The following is an entry in ClinVar:

NM_014014.5(SNRNP200):c.4372C>T (p.Leu1458Phe)

Gene: SNRNP200 (small nuclear ribonucleoprotein U5 subunit 200; minus strand). Cytogenetic location: 2q11.2.
Variant type: single nucleotide variant.
Coding change: c.4372C>T on transcript NM_014014.5 (MANE Select); coding-DNA position 4372, C replaced by T.
Protein change: p.Leu1458Phe; replaces leucine 1458 with phenylalanine.
Molecular consequence: missense variant.
Genome position (GRCh38, 1-based): chr2:96,284,378, G>A on the plus strand (C>T on the coding strand, the complement: SNRNP200 is on the minus strand). VCF-style: chr2-96284378-G-A. GRCh37 (hg19) VCF-style: chr2-96950116-G-A.
Other names: short protein forms L1458F.
Identifiers: ClinVar variation 1021511 (VCV001021511.8), dbSNP rs769389998, ClinGen allele CA52391972.

ClinVar aggregate classification (germline): Uncertain significance (1 of 4 stars; one submission).

Allele frequency attached by ClinVar (database versions not stated): gnomAD exomes below 0.00001; gnomAD 0.00001; TOPMed 0.00001.
gnomAD v4.1: 3 of 1,613,958 alleles (0.00019%); highest among the groups gnomAD compares: Non-Finnish European, 0.00025%; no homozygotes.

Submission:

Labcorp Genetics (formerly Invitae), Labcorp
Classification: Uncertain significance. Last evaluated: 2020-09-16. Review status: criteria provided, single submitter. Criteria: Invitae Variant Classification Sherloc (09022015). Collection method: clinical testing. Allele origin: germline.
Comment: In summary, the available evidence is currently insufficient to determine the role of this variant in disease. Therefore, it has been classified as a Variant of Uncertain Significance. Algorithms developed to predict the effect of missense changes on protein structure and function are either unavailable or do not agree on the potential impact of this missense change (SIFT: "Tolerated"; PolyPhen-2: "Possibly Damaging"; Align-GVGD: "Class C0"). This variant has not been reported in the literature in individuals with SNRNP200-related conditions. This variant is not present in population databases (ExAC no frequency). This sequence change replaces leucine with phenylalanine at codon 1458 of the SNRNP200 protein (p.Leu1458Phe). The leucine residue is highly conserved and there is a small physicochemical difference between leucine and phenylalanine.